The following is an entry in ClinVar:

ClinVar aggregate classification (germline): Uncertain significance. Review status: criteria provided, multiple submitters, no conflicts (2 of 4 stars). 2 submissions from 2 submitters: Uncertain significance (2). Last evaluated 2025-06-09.

Conditions:
Inborn genetic diseases. Identifiers: MedGen C0950123, MeSH D030342.

Allele frequency attached by ClinVar (database versions not stated): gnomAD exomes 0.00004; ExAC 0.00005; gnomAD 0.00005 and 0.00006; TOPMed 0.00012.

Submissions (2):

Labcorp Genetics (formerly Invitae), Labcorp
Classification: Uncertain significance. Last evaluated: 2025-06-09. Review status: criteria provided, single submitter. Criteria: Invitae Variant Classification Sherloc (09022015). Collection method: clinical testing. Allele origin: germline.
Comment: This sequence change replaces alanine, which is neutral and non-polar, with valine, which is neutral and non-polar, at codon 525 of the IMPDH1 protein (p.Ala525Val). This variant is present in population databases (rs576852864, gnomAD 0.02%). This variant has not been reported in the literature in individuals affected with IMPDH1-related conditions. ClinVar contains an entry for this variant (Variation ID: 858853). An algorithm developed to predict the effect of missense changes on protein structure and function (PolyPhen-2) suggests that this variant is likely to be tolerated. In summary, the available evidence is currently insufficient to determine the role of this variant in disease. Therefore, it has been classified as a Variant of Uncertain Significance.

Ambry Genetics
Classification: Uncertain significance for Inborn genetic diseases. Last evaluated: 2025-04-20. Review status: criteria provided, single submitter. Criteria: Ambry Variant Classification Scheme 2023. Collection method: clinical testing. Allele origin: germline.

NM_000883.4(IMPDH1):c.1574C>T (p.Ala525Val)

Gene: IMPDH1 (inosine monophosphate dehydrogenase 1; minus strand). Cytogenetic location: 7q32.1.
Variant type: single nucleotide variant.
Coding change: c.1574C>T on transcript NM_000883.4 (MANE Select); coding-DNA position 1574, C replaced by T.
Protein change: p.Ala525Val; replaces alanine 525 with valine.
Molecular consequence: missense variant.
Genome position (GRCh38, 1-based): chr7:128,394,576, G>A on the plus strand (C>T on the coding strand, the complement: IMPDH1 is on the minus strand). VCF-style: chr7-128394576-G-A. GRCh37 (hg19) VCF-style: chr7-128034630-G-A.
Other names: c.1544C>T, p.Ala515Val (NM_001102605.2); c.1319C>T, p.Ala440Val (NM_001142573.2); c.1304C>T, p.Ala435Val (NM_001142574.2); c.1244C>T, p.Ala415Val (NM_001142575.2); c.1475C>T, p.Ala492Val (NM_001142576.2); c.1367C>T, p.Ala456Val (NM_001304521.2); c.1466C>T, p.Ala489Val (NM_183243.3); short protein forms A456V, A489V, A435V, A440V, A492V, A515V, A415V, A525V.
Identifiers: ClinVar variation 858853 (VCV000858853.12), dbSNP rs576852864, ClinGen allele CA4470783.
Genomic context (GRCh38, chr7:128,394,576, plus strand): 5'-AGGTAGGGCACGAACTTCTGAATGGATCCTTTGTCCTGGATGGAGCCCGAGACACCCTGC[G>A]CGATCTTCACTTTATCCCCCTCGCTGCGTGGAGGGTGGAAGACTGAGCCCAGCAGCTTGA-3'
Protein context (NP_000874.2, residues 515-535): YFSEGDKVKI[Ala525Val]QGVSGSIQDK